The following is an entry in ClinVar:

NM_002693.3(POLG):c.3064C>G (p.Leu1022Val)

Gene: POLG (DNA polymerase gamma, catalytic subunit; minus strand). Cytogenetic location: 15q26.1.
Variant type: single nucleotide variant.
Coding change: c.3064C>G on transcript NM_002693.3 (MANE Select); coding-DNA position 3064, C replaced by G.
Protein change: p.Leu1022Val; replaces leucine 1022 with valine.
Molecular consequence: missense variant.
Genome position (GRCh38, 1-based): chr15:89,319,268, G>C on the plus strand (C>G on the coding strand, the complement: POLG is on the minus strand). VCF-style: chr15-89319268-G-C. GRCh37 (hg19) VCF-style: chr15-89862499-G-C.
Other names: c.3064C>G, p.Leu1022Val (NM_001126131.2); short protein forms L1022V.
Identifiers: ClinVar variation 1487580 (VCV001487580.7), dbSNP rs2152059768, ClinGen allele CA393751329.

ClinVar aggregate classification (germline): Uncertain significance (1 of 4 stars; one submission).

Conditions:
Progressive sclerosing poliodystrophy (MTDPS4A). Also called: Mitochondrial DNA depletion syndrome 4A (Alpers type); ALPERS PROGRESSIVE INFANTILE POLIODYSTROPHY; NEURONAL DEGENERATION OF CHILDHOOD WITH LIVER DISEASE, PROGRESSIVE; Mitochondrial DNA Depletion Syndrome 4A; Alpers-Huttenlocher Syndrome (AHS); Alpers Syndrome. Identifiers: Orphanet 726, MedGen C0205710, MONDO:0008758, OMIM 203700.

Submission:

Labcorp Genetics (formerly Invitae), Labcorp
Classification: Uncertain significance for Progressive sclerosing poliodystrophy. Last evaluated: 2021-02-19. Review status: criteria provided, single submitter. Criteria: Invitae Variant Classification Sherloc (09022015). Collection method: clinical testing. Allele origin: germline.
Comment: This sequence change replaces leucine with valine at codon 1022 of the POLG protein (p.Leu1022Val). The leucine residue is moderately conserved and there is a small physicochemical difference between leucine and valine. In summary, the available evidence is currently insufficient to determine the role of this variant in disease. Therefore, it has been classified as a Variant of Uncertain Significance. Algorithms developed to predict the effect of missense changes on protein structure and function are either unavailable or do not agree on the potential impact of this missense change (SIFT: "Tolerated"; PolyPhen-2: "Possibly Damaging"; Align-GVGD: "Class C0"). This variant has not been reported in the literature in individuals with POLG-related conditions. This variant is not present in population databases (ExAC no frequency).